The following is an entry in ClinVar:

NM_001008537.3(NEXMIF):c.431G>A (p.Arg144Gln)

Gene: NEXMIF (neurite extension and migration factor; minus strand). Cytogenetic location: Xq13.3.
Variant type: single nucleotide variant.
Coding change: c.431G>A on transcript NM_001008537.3 (MANE Select); coding-DNA position 431, G replaced by A.
Protein change: p.Arg144Gln; replaces arginine 144 with glutamine.
Molecular consequence: missense variant.
Genome position (GRCh38, 1-based): chrX:74,744,126, C>T on the plus strand (G>A on the coding strand, the complement: NEXMIF is on the minus strand). VCF-style: chrX-74744126-C-T. GRCh37 (hg19) VCF-style: chrX-73963961-C-T.
Other names: short protein forms R144Q.
Identifiers: ClinVar variation 452001 (VCV000452001.46), dbSNP rs1029069870, ClinGen allele CA331301812.
Genomic context (GRCh38, chrX:74,744,126, plus strand): 5'-CTGATCCCTGGCTCAGGATCTACTGCATCCTTGGATTCCATGAAGCAGCCTAAGCAAGTC[C>T]GACTTGGCTGCATGAGACAGTCCCCATTCAGAGCTGACATGCCTGCAGGCTCCATTATGG-3'
Protein context (NP_001008537.1, residues 134-154): LNGDCLMQPS[Arg144Gln]TCLGCFMESK

ClinVar aggregate classification (germline): Conflicting classifications of pathogenicity. Review status: criteria provided, conflicting classifications (1 of 4 stars). 2 submissions from 2 submitters: Uncertain significance (1); Likely benign (1). Last evaluated 2024-02-22.

Allele frequency attached by ClinVar (database versions not stated): gnomAD exomes 0.00001.
gnomAD v4.1: 9 of 1,211,491 alleles (0.00074%); highest among the groups gnomAD compares: East Asian, 0.003%; no homozygotes.

Submissions (2):

Labcorp Genetics (formerly Invitae), Labcorp
Classification: Uncertain significance. Last evaluated: 2024-02-22. Review status: criteria provided, single submitter. Criteria: Invitae Variant Classification Sherloc (09022015). Collection method: clinical testing. Allele origin: germline.
Comment: This sequence change replaces arginine, which is basic and polar, with glutamine, which is neutral and polar, at codon 144 of the NEXMIF protein (p.Arg144Gln). This variant is not present in population databases (gnomAD no frequency). This variant has not been reported in the literature in individuals affected with NEXMIF-related conditions. ClinVar contains an entry for this variant (Variation ID: 452001). An algorithm developed to predict the effect of missense changes on protein structure and function (PolyPhen-2) suggests that this variant is likely to be disruptive. In summary, the available evidence is currently insufficient to determine the role of this variant in disease. Therefore, it has been classified as a Variant of Uncertain Significance.

GeneDx
Classification: Likely benign. Last evaluated: 2018-04-23. Review status: criteria provided, single submitter. Criteria: GeneDx Variant Classification Process June 2021. Collection method: clinical testing. Allele origin: germline. Affected: yes.